The following is an entry in ClinVar:

ClinVar aggregate classification (germline): Benign/Likely benign. Review status: criteria provided, multiple submitters, no conflicts (2 of 4 stars). 2 submissions from 2 submitters: Benign (1); Likely benign (1). Last evaluated 2025-10-04.

Allele frequency attached by ClinVar (database versions not stated): TOPMed 0.00003; gnomAD exomes 0.00004; gnomAD 0.00005; ExAC 0.00008.
gnomAD v4.1: 48 of 1,207,334 alleles (0.004%); highest among the groups gnomAD compares: Non-Finnish European, 0.0054%; no homozygotes.

Submissions (2):

Labcorp Genetics (formerly Invitae), Labcorp
Classification: Benign. Last evaluated: 2025-10-04. Review status: criteria provided, single submitter. Criteria: Invitae Variant Classification Sherloc (09022015). Collection method: clinical testing. Allele origin: germline.

CeGaT Center for Human Genetics Tuebingen
Classification: Likely benign. Last evaluated: 2023-04-01. Review status: criteria provided, single submitter. Criteria: CeGaT Center For Human Genetics Tuebingen Variant Classification Criteria Version 2. Collection method: clinical testing. Allele origin: germline. Affected: yes. Observed: 1 variant allele.
Comment: USP9X: BP4, BS2

NM_001039591.3(USP9X):c.2883T>C (p.Ile961=)

Gene: USP9X (ubiquitin specific peptidase 9 X-linked; plus strand). Cytogenetic location: Xp11.4.
Variant type: single nucleotide variant.
Coding change: c.2883T>C on transcript NM_001039591.3 (MANE Select); coding-DNA position 2883, T replaced by C.
Protein change: p.Ile961=; no amino-acid change (isoleucine 961 retained).
Molecular consequence: synonymous variant.
Genome position (GRCh38, 1-based): chrX:41,170,475, T>C. VCF-style: chrX-41170475-T-C. GRCh37 (hg19) VCF-style: chrX-41029728-T-C.
Other names: c.2883T>C, p.Ile961= (NM_001039590.3); c.2898T>C, p.Ile966= (NM_001410748.1, NM_001410749.1).
Identifiers: ClinVar variation 1903607 (VCV001903607.29), dbSNP rs34739511, ClinGen allele CA10388613.
Genomic context (GRCh38, chrX:41,170,475, plus strand): 5'-TTTTGTGTAAGTATTTTTCCTTGTTTTTGATATTAACATAGTATATAATTTTCAGCTTAT[T>C]ACAGCCAAACTTACACAGATAAGTTCCAATATGCCTTCAAGCCCTGATAGCTCTTCTGAT-3'
Protein context (NP_001034680.2, residues 951-971): GQLNLKDKSL[Ile961=]TAKLTQISSN